The following is an entry in ClinVar:

NM_000038.6(APC):c.1110G>A (p.Leu370=)

Gene: APC (APC regulator of Wnt signaling pathway; plus strand). Cytogenetic location: 5q22.2.
Variant type: single nucleotide variant.
Coding change: c.1110G>A on transcript NM_000038.6 (MANE Select); coding-DNA position 1110, G replaced by A.
Protein change: p.Leu370=; no amino-acid change (leucine 370 retained).
Molecular consequence: synonymous variant. On other transcripts: intron variant (4).
Genome position (GRCh38, 1-based): chr5:112,819,142, G>A. VCF-style: chr5-112819142-G-A. GRCh37 (hg19) VCF-style: chr5-112154839-G-A.
Other names: c.1110G>A, p.Leu370= (NM_001127510.3, NM_001354895.2, NM_001354896.2); c.1056G>A, p.Leu352= (NM_001127511.3); c.1140G>A, p.Leu380= (NM_001354897.2); c.1035G>A, p.Leu345= (NM_001354898.2); c.1026G>A, p.Leu342= (NM_001354899.2); c.933G>A, p.Leu311= (NM_001354900.2, NM_001354901.2); c.261G>A, p.Leu87= (NM_001354906.2); c.964-127G>A (NM_001354902.2); and 3 more.
Identifiers: ClinVar variation 495351 (VCV000495351.9), dbSNP rs1439967202, ClinGen allele CA445960280.

ClinVar aggregate classification (germline): Conflicting classifications of pathogenicity. Review status: criteria provided, conflicting classifications (1 of 4 stars). 4 submissions from 4 submitters: Uncertain significance (3); Benign (1). Last evaluated 2026-02-16.

Conditions:
Familial adenomatous polyposis 1 (FAP1). Also called: FAMILIAL ADENOMATOUS POLYPOSIS 1, ATTENUATED; POLYPOSIS, ADENOMATOUS INTESTINAL. Identifiers: MedGen C2713442, MONDO:0021056, OMIM 175100. Disease mechanism: loss of function.
Hereditary cancer-predisposing syndrome. Also called: Tumor predisposition; Hereditary Cancer Syndrome; Neoplastic Syndromes, Hereditary; Hereditary neoplastic syndrome. Identifiers: Orphanet 140162, MedGen C0027672, MeSH D009386, MONDO:0015356.

Allele frequency attached by ClinVar (database versions not stated): TOPMed below 0.00001; gnomAD 0.00001.
gnomAD v4.1: 1 of 1,613,898 alleles (0.000062%); highest among the groups gnomAD compares: Non-Finnish European, 0.000085%; no homozygotes.

Submissions (4):

Ambry Genetics
Classification: Uncertain significance for Hereditary cancer-predisposing syndrome. Last evaluated: 2026-02-16. Review status: criteria provided, single submitter. Criteria: Ambry Variant Classification Scheme 2023. Collection method: clinical testing. Allele origin: germline.
Comment: The c.1110G>A variant (also known as p.L370L), located in coding exon 9 of the APC gene, results from a G to A substitution at nucleotide position 1110. This nucleotide substitution does not change the at codon 370. This nucleotide position is not well conserved in available vertebrate species. In silico splice site analysis predicts that this alteration will result in the creation or strengthening of a novel splice acceptor site. RNA studies have demonstrated that this alteration results in an incomplete splice defect; the clinical impact of this abnormal splicing is unknown at this time (Ambry internal data). Based on the available evidence, the clinical significance of this variant remains unclear.

Myriad Genetics, Inc.
Classification: Benign for Familial adenomatous polyposis 1. Last evaluated: 2024-02-29. Review status: criteria provided, single submitter. Criteria: Myriad Autosomal Dominant, Autosomal Recessive and X-Linked Classification Criteria (2023). Collection method: clinical testing. Allele origin: unknown.
Comment: This variant is considered benign. This variant is a silent/synonymous amino acid change and it is not expected to impact splicing.

Labcorp Genetics (formerly Invitae), Labcorp
Classification: Uncertain significance for Familial adenomatous polyposis 1. Last evaluated: 2023-06-04. Review status: criteria provided, single submitter. Criteria: Invitae Variant Classification Sherloc (09022015). Collection method: clinical testing. Allele origin: germline.
Comment: In summary, the available evidence is currently insufficient to determine the role of this variant in disease. Therefore, it has been classified as a Variant of Uncertain Significance. Algorithms developed to predict the effect of sequence changes on RNA splicing suggest that this variant may disrupt the consensus splice site. ClinVar contains an entry for this variant (Variation ID: 495351). This variant has not been reported in the literature in individuals affected with APC-related conditions. This variant is not present in population databases (gnomAD no frequency). This sequence change affects codon 370 of the APC mRNA. It is a 'silent' change, meaning that it does not change the encoded amino acid sequence of the APC protein.

Women's Health and Genetics/Laboratory Corporation of America, LabCorp
Classification: Uncertain significance. Last evaluated: 2019-08-21. Review status: criteria provided, single submitter. Criteria: LabCorp Variant Classification Summary - May 2015. Collection method: clinical testing. Allele origin: germline.
Comment: Variant summary: APC c.1110G>A alters a conserved nucleotide resulting in a synonymous change. Several computational tools via ALAMUT predict a significant impact on normal splicing: Two predict the variant creates a cryptic exonic 3' acceptor site. Two predict the variant to have no significant impact on splicing. Another in-silico tool for assessing the pathogenicity of synonymous variants, namely TraP (Transcript-inferred Pathogenicity, Gelfman_2017) predicts this variant to be possibly pathogenic. However, these predictions have yet to be confirmed by functional studies. The variant was absent in 250884 control chromosomes. The available data on variant occurrences in the general population are insufficient to allow any conclusion about variant significance. To our knowledge, no occurrence of c.1110G>A in individuals affected with Familial Adenomatous Polyposis and no experimental evidence demonstrating its impact on protein function have been reported. No clinical diagnostic laboratories have submitted clinical-significance assessments for this variant to ClinVar after 2014. Based on the evidence outlined above, the variant was classified as VUS-possibly benign.